The following is an entry in ClinVar:

ClinVar aggregate classification (germline): Pathogenic (1 of 4 stars; one submission).

Submission:

GeneDx
Classification: Pathogenic. Last evaluated: 2025-05-04. Review status: criteria provided, single submitter. Criteria: GeneDx Variant Classification Process June 2021. Collection method: clinical testing. Allele origin: germline.
Comment: Initiation codon variant in a gene for which loss of function is a known mechanism of disease; Not observed at significant frequency in large population cohorts (gnomAD); Has not been previously published as pathogenic or benign to our knowledge

NM_016188.5(ACTL6B):c.2T>C (p.Met1Thr)

Gene: ACTL6B (actin like 6B; minus strand). Cytogenetic location: 7q22.1.
Variant type: single nucleotide variant.
Coding change: c.2T>C on transcript NM_016188.5 (MANE Select); coding-DNA position 2, T replaced by C.
Protein change: p.Met1Thr; changes the start codon (methionine 1).
Molecular consequence: missense variant, initiator codon variant. On other transcripts: non-coding transcript variant (1).
Genome position (GRCh38, 1-based): chr7:100,656,353, A>G on the plus strand (T>C on the coding strand, the complement: ACTL6B is on the minus strand). VCF-style: chr7-100656353-A-G. GRCh37 (hg19) VCF-style: chr7-100253976-A-G.
Other names: short protein forms M1T.
Identifiers: ClinVar variation 4888039 (VCV004888039.1).
Genomic context (GRCh38, chr7:100,656,353, plus strand): 5'-CAGGGCTGCGGGAGCCGGGGGCCCGAGGCTCGCTCACCTCCGCCGTAGACGCCCCCGCTC[A>G]TAGTGCCCGCTGCGCTGCTAGCGGCCCGTGGGCGGTGGCGGGATCAGCACCGAGGCGGCC-3'
Protein context (NP_057272.1, residues 1-11): [Met1Thr]SGGVYGGDEV